The following is an entry in ClinVar:

ClinVar aggregate classification (germline): Likely benign (1 of 4 stars; one submission).

gnomAD v4.1: 205 of 1,613,972 alleles (0.013%); highest among the groups gnomAD compares: Non-Finnish European, 0.017%; no homozygotes.

Submission:

CeGaT Center for Human Genetics Tuebingen
Classification: Likely benign. Last evaluated: 2026-06-01. Review status: criteria provided, single submitter. Criteria: CeGaT Center For Human Genetics Tuebingen Variant Classification Criteria Version 2. Collection method: clinical testing. Allele origin: germline. Affected: yes. Observed: 1 variant allele.
Comment: POU3F3: BP4, BP7

NM_006236.3(POU3F3):c.1347G>A (p.Val449=)

Gene: POU3F3 (POU class 3 homeobox 3; plus strand). Cytogenetic location: 2q12.1.
Variant type: single nucleotide variant.
Coding change: c.1347G>A on transcript NM_006236.3 (MANE Select); coding-DNA position 1347, G replaced by A.
Protein change: p.Val449=; no amino-acid change (valine 449 retained).
Molecular consequence: synonymous variant.
Genome position (GRCh38, 1-based): chr2:104,856,857, G>A. VCF-style: chr2-104856857-G-A. GRCh37 (hg19) VCF-style: chr2-105473315-G-A.
Other names: c.1347G>A, p.Val449= (NM_001433704.1).
Identifiers: ClinVar variation 4872447 (VCV004872447.2).